The following is an entry in ClinVar:

ClinVar aggregate classification (germline): Uncertain significance (1 of 4 stars; one submission).

gnomAD v4.1: 1 of 1,614,110 alleles (0.000062%); highest among the groups gnomAD compares: Non-Finnish European, 0.000085%; no homozygotes.

Submission:

Labcorp Genetics (formerly Invitae), Labcorp
Classification: Uncertain significance. Last evaluated: 2024-08-27. Review status: criteria provided, single submitter. Criteria: Invitae Variant Classification Sherloc (09022015). Collection method: clinical testing. Allele origin: germline.
Comment: This sequence change replaces aspartic acid, which is acidic and polar, with valine, which is neutral and non-polar, at codon 2039 of the CPLANE1 protein (p.Asp2039Val). This variant is not present in population databases (gnomAD no frequency). This variant has not been reported in the literature in individuals affected with CPLANE1-related conditions. Invitae Evidence Modeling of protein sequence and biophysical properties (such as structural, functional, and spatial information, amino acid conservation, physicochemical variation, residue mobility, and thermodynamic stability) indicates that this missense variant is not expected to disrupt CPLANE1 protein function with a negative predictive value of 95%. In summary, the available evidence is currently insufficient to determine the role of this variant in disease. Therefore, it has been classified as a Variant of Uncertain Significance.

NM_001384732.1(CPLANE1):c.6116A>T (p.Asp2039Val)

Gene: CPLANE1 (ciliogenesis and planar polarity effector complex subunit 1; minus strand). Cytogenetic location: 5p13.2.
Variant type: single nucleotide variant.
Coding change: c.6116A>T on transcript NM_001384732.1 (MANE Select); coding-DNA position 6116, A replaced by T.
Protein change: p.Asp2039Val; replaces aspartic acid 2039 with valine.
Molecular consequence: missense variant.
Genome position (GRCh38, 1-based): chr5:37,173,810, T>A on the plus strand (A>T on the coding strand, the complement: CPLANE1 is on the minus strand). VCF-style: chr5-37173810-T-A. GRCh37 (hg19) VCF-style: chr5-37173912-T-A.
Other names: c.6116A>T, p.Asp2039Val (NM_023073.4); short protein forms D2039V.
Identifiers: ClinVar variation 3635372 (VCV003635372.2).